The following is an entry in ClinVar:

ClinVar aggregate classification (germline): Uncertain significance (1 of 4 stars; one submission).

Allele frequency attached by ClinVar (database versions not stated): gnomAD 0.00023; 1000 Genomes Project 0.00040; 1000 Genomes Project 30x 0.00031; TOPMed 0.00027; gnomAD exomes 0.00031.
gnomAD v4.1: 454 of 1,481,808 alleles (0.031%); highest among the groups gnomAD compares: African/African-American, 0.04%; 1 homozygote.

Submission:

Labcorp Genetics (formerly Invitae), Labcorp
Classification: Uncertain significance. Last evaluated: 2025-10-01. Review status: criteria provided, single submitter. Criteria: Invitae Variant Classification Sherloc (09022015). Collection method: clinical testing. Allele origin: germline.
Comment: This sequence change replaces proline, which is neutral and non-polar, with leucine, which is neutral and non-polar, at codon 10 of the TRPV6 protein (p.Pro10Leu). This variant is present in population databases (rs541889808, gnomAD 0.03%). This variant has not been reported in the literature in individuals affected with TRPV6-related conditions. ClinVar contains an entry for this variant (Variation ID: 2727297). Experimental studies and prediction algorithms are not available or were not evaluated, and the functional significance of this variant is currently unknown. In summary, the available evidence is currently insufficient to determine the role of this variant in disease. Therefore, it has been classified as a Variant of Uncertain Significance.

NM_018646.6(TRPV6):c.29C>T (p.Pro10Leu)

Gene: TRPV6 (transient receptor potential cation channel subfamily V member 6; minus strand). Cytogenetic location: 7q34.
Variant type: single nucleotide variant.
Coding change: c.29C>T on transcript NM_018646.6 (MANE Select); coding-DNA position 29, C replaced by T.
Protein change: p.Pro10Leu; replaces proline 10 with leucine.
Molecular consequence: missense variant.
Genome position (GRCh38, 1-based): chr7:142,885,608, G>A on the plus strand (C>T on the coding strand, the complement: TRPV6 is on the minus strand). VCF-style: chr7-142885608-G-A. GRCh37 (hg19) VCF-style: chr7-142583353-G-A.
Other names: short protein forms P10L.
Identifiers: ClinVar variation 2727297 (VCV002727297.3), dbSNP rs541889808, ClinGen allele CA168194965.